The following is an entry in ClinVar:

NM_021930.6(RINT1):c.1021C>G (p.Leu341Val)

Gene: RINT1 (RAD50 interactor 1; plus strand). Cytogenetic location: 7q22.3.
Variant type: single nucleotide variant.
Coding change: c.1021C>G on transcript NM_021930.6 (MANE Select); coding-DNA position 1021, C replaced by G.
Protein change: p.Leu341Val; replaces leucine 341 with valine.
Molecular consequence: missense variant. On other transcripts: 5 prime UTR variant (2), non-coding transcript variant (1).
Genome position (GRCh38, 1-based): chr7:105,550,079, C>G. VCF-style: chr7-105550079-C-G. GRCh37 (hg19) VCF-style: chr7-105190526-C-G.
Other names: c.787C>G, p.Leu263Val (NM_001346599.2); c.-3C>G (NM_001346600.2, NM_001346603.2); c.97C>G, p.Leu33Val (NM_001346601.2); short protein forms L33V, L263V, L341V.
Identifiers: ClinVar variation 946956 (VCV000946956.11), dbSNP rs151055286, ClinGen allele CA4426584.
Genomic context (GRCh38, chr7:105,550,079, plus strand): 5'-GACTTAAGAATTCAAACTATTTTCCTCCTTCCTTAGCCAGAATGGTACTTGGCTCAAGTA[C>G]TTATGTGGATTGGAAACCATACTGAATTTCTGGATGAGAAGATTCAGCCAATATTAGACA-3'
Protein context (NP_068749.3, residues 331-351): SKPEWYLAQV[Leu341Val]MWIGNHTEFL

ClinVar aggregate classification (germline): Conflicting classifications of pathogenicity. Review status: criteria provided, conflicting classifications (1 of 4 stars). 3 submissions from 3 submitters: Likely pathogenic (1); Uncertain significance (2). Last evaluated 2025-09-16.

Conditions:
Thyroid cancer, nonmedullary, 1. Identifiers: MedGen C4721429, MONDO:0008567, OMIM 188550.

Allele frequency attached by ClinVar (database versions not stated): ExAC 0.00002; TOPMed 0.00002; 1000 Genomes Project 30x 0.00016; 1000 Genomes Project 0.00020.
gnomAD v4.1: 7 of 1,612,784 alleles (0.00043%); highest among the groups gnomAD compares: East Asian, 0.016%; no homozygotes.

Submissions (3):

Ambry Genetics
Classification: Uncertain significance. Last evaluated: 2025-09-16. Review status: criteria provided, single submitter. Criteria: Ambry Variant Classification Scheme 2023. Collection method: clinical testing. Allele origin: germline.
Comment: The p.L341V variant (also known as c.1021C>G), located in coding exon 8 of the RINT1 gene, results from a C to G substitution at nucleotide position 1021. The leucine at codon 341 is replaced by valine, an amino acid with highly similar properties. This variant was reported in 6/60,466 breast cancer cases and in 4/53,461 controls (Dorling et al. N Engl J Med. 2021 02;384:428-439). This amino acid position is highly conserved in available vertebrate species. In addition, the in silico prediction for this alteration is inconclusive. Since supporting evidence is limited at this time, the clinical significance of this alteration remains unclear.

Labcorp Genetics (formerly Invitae), Labcorp
Classification: Uncertain significance. Last evaluated: 2024-07-21. Review status: criteria provided, single submitter. Criteria: Invitae Variant Classification Sherloc (09022015). Collection method: clinical testing. Allele origin: germline.
Comment: This sequence change replaces leucine, which is neutral and non-polar, with valine, which is neutral and non-polar, at codon 341 of the RINT1 protein (p.Leu341Val). This variant is present in population databases (rs151055286, gnomAD 0.02%). This variant has not been reported in the literature in individuals affected with RINT1-related conditions. ClinVar contains an entry for this variant (Variation ID: 946956). An algorithm developed to predict the effect of missense changes on protein structure and function (PolyPhen-2) suggests that this variant is likely to be disruptive. In summary, the available evidence is currently insufficient to determine the role of this variant in disease. Therefore, it has been classified as a Variant of Uncertain Significance.

Dept. of Medical Genetics, The Key Laboratory of Geriatrics, Beijing Institute of Geriatrics, Institute of Geriatric Medicine, Chinese Academy of Medical Sciences , Beijing Hospital/National Center of Gerontology of National Health Commission
Classification: Likely pathogenic for Nonmedullary thyroid carcinoma 1. Last evaluated: 2021-12-28. Review status: criteria provided, single submitter. Criteria: ACMG Guidelines, 2015. Collection method: research. Allele origin: germline. Affected: yes. Observed: 3 heterozygotes. Segregation with disease observed.
Comment: We identified a heterozygous missense variant (rs151055286, NM_021930: exon8: c.1021C>G: p.L341V) in exon 8 of the RINT1 gene in a Chinese family (Bh#22PTC) with papillary thyroid cancer (PTC) by whole exome sequencing of peripheral-blood DNA from the patients. The variant was present in the proband (Bh#22PTC_II.3) and two other affected family members (Bh#22PTC_II.2 and Bh#22PTC_III.5). The variant has a 0.002% mutant allele frequency in ExAC. We found that the L341V variant disrupts the interaction of RINT1 with RAD50 by co-immunoprecipitation assays in HEK293T cells. Based on these clinical and genetic evidence, the loss-of-function variant in RINT1 is considered a likely Pathogenic Variant.

Literature cited by the submitters: PubMed 33471991 (cited by Ambry Genetics).